The following is an entry in ClinVar:

NM_031935.3(HMCN1):c.1780T>A (p.Ser594Thr)

Gene: HMCN1 (hemicentin 1; plus strand). Cytogenetic location: 1q31.1.
Variant type: single nucleotide variant.
Coding change: c.1780T>A on transcript NM_031935.3 (MANE Select); coding-DNA position 1780, T replaced by A.
Protein change: p.Ser594Thr; replaces serine 594 with threonine.
Molecular consequence: missense variant.
Genome position (GRCh38, 1-based): chr1:185,933,776, T>A. VCF-style: chr1-185933776-T-A. GRCh37 (hg19) VCF-style: chr1-185902908-T-A.
Other names: short protein forms S594T.
Identifiers: ClinVar variation 1713705 (VCV001713705.5), dbSNP rs2527155206, ClinGen allele CA343868693.

ClinVar aggregate classification (germline): Uncertain significance (1 of 4 stars; one submission).

Allele frequency attached by ClinVar (database versions not stated): gnomAD exomes below 0.00001.
gnomAD v4.1: 1 of 1,613,948 alleles (0.000062%); highest among the groups gnomAD compares: Non-Finnish European, 0.000085%; no homozygotes.

Submission:

Labcorp Genetics (formerly Invitae), Labcorp
Classification: Uncertain significance. Last evaluated: 2022-07-15. Review status: criteria provided, single submitter. Criteria: Invitae Variant Classification Sherloc (09022015). Collection method: clinical testing. Allele origin: germline.
Comment: In summary, the available evidence is currently insufficient to determine the role of this variant in disease. Therefore, it has been classified as a Variant of Uncertain Significance. Algorithms developed to predict the effect of missense changes on protein structure and function are either unavailable or do not agree on the potential impact of this missense change (SIFT: "Deleterious"; PolyPhen-2: "Probably Damaging"; Align-GVGD: "Class C0"). This variant has not been reported in the literature in individuals affected with HMCN1-related conditions. This variant is not present in population databases (gnomAD no frequency). This sequence change replaces serine, which is neutral and polar, with threonine, which is neutral and polar, at codon 594 of the HMCN1 protein (p.Ser594Thr).